The following is an entry in ClinVar:

NM_007327.4(GRIN1):c.672-147C>T

Gene: GRIN1 (glutamate ionotropic receptor NMDA type subunit 1; plus strand). Cytogenetic location: 9q34.3.
Variant type: single nucleotide variant.
Coding change: c.672-147C>T on transcript NM_007327.4 (MANE Select); 147 bases into the intron before coding-DNA position 672, C replaced by T.
Molecular consequence: intron variant.
Genome position (GRCh38, 1-based): chr9:137,156,522, C>T. VCF-style: chr9-137156522-C-T. GRCh37 (hg19) VCF-style: chr9-140050974-C-T.
Other names: c.735-147C>T (NM_001185090.2, NM_001185091.2); c.672-147C>T (NM_021569.4, NM_000832.7).
Identifiers: ClinVar variation 677788 (VCV000677788.1), dbSNP rs117627988, ClinGen allele CA201738126.

ClinVar aggregate classification (germline): Likely benign (1 of 4 stars; one submission).

Allele frequency attached by ClinVar (database versions not stated): gnomAD exomes 0.00385; gnomAD 0.00520 and 0.00630; TOPMed 0.00707; 1000 Genomes Project 0.02157; 1000 Genomes Project 30x 0.02186.
gnomAD v4.1: 5,121 of 1,165,454 alleles (0.44%); highest among the groups gnomAD compares: East Asian, 4%; 114 homozygotes.

Submission:

GeneDx
Classification: Likely benign. Last evaluated: 2018-06-14. Review status: criteria provided, single submitter. Criteria: GeneDx Variant Classification (06012015). Collection method: clinical testing. Allele origin: germline. Affected: yes.
Comment: This variant is considered likely benign or benign based on one or more of the following criteria: it is a conservative change, it occurs at a poorly conserved position in the protein, it is predicted to be benign by multiple in silico algorithms, and/or has population frequency not consistent with disease.